The following is an entry in ClinVar:

NM_025099.6(CTC1):c.990C>T (p.Asp330=)

Gene: CTC1 (CST telomere replication complex component 1; minus strand). Cytogenetic location: 17p13.1.
Variant type: single nucleotide variant.
Coding change: c.990C>T on transcript NM_025099.6 (MANE Select); coding-DNA position 990, C replaced by T.
Protein change: p.Asp330=; no amino-acid change (aspartic acid 330 retained).
Molecular consequence: synonymous variant. On other transcripts: non-coding transcript variant (1).
Genome position (GRCh38, 1-based): chr17:8,236,145, G>A on the plus strand (C>T on the coding strand, the complement: CTC1 is on the minus strand). VCF-style: chr17-8236145-G-A. GRCh37 (hg19) VCF-style: chr17-8139463-G-A.
Other names: p.Asp330=.
Identifiers: ClinVar variation 128862 (VCV000128862.31), dbSNP rs74506939, ClinGen allele CA152517.
Genomic context (GRCh38, chr17:8,236,145, plus strand): 5'-GACAAGACTTTCTGGATCCTTCTTGTCCTCCGAGTTGCTGGGCATGGGGAGTGGCTTGGG[G>A]TCAGCCTCTAAGAGGGGTCCTTCCAGCTCCAGTTCCAGCTCCTGCACACATTCTGGTTTC-3'
Protein context (NP_079375.3, residues 320-340): LELEGPLLEA[Asp330=]PKPLPMPSNS

ClinVar aggregate classification (germline): Benign. Review status: criteria provided, multiple submitters, no conflicts (2 of 4 stars). 9 submissions from 9 submitters: Benign (8). 1 of the submissions does not count toward it. Last evaluated 2026-02-04.

Conditions:
Cerebroretinal microangiopathy with calcifications and cysts 1 (CRMCC1). Identifiers: Orphanet 313838, MedGen C4552029, MONDO:0024564, OMIM 612199.
Dyskeratosis congenita. Identifiers: Orphanet 1775, MedGen C0265965, MONDO:0015780.

Allele frequency attached by ClinVar (database versions not stated): 1000 Genomes Project 30x 0.08979; 1000 Genomes Project 0.09006; TOPMed 0.14646; gnomAD 0.15072 and 0.15238; gnomAD exomes 0.16304 and 0.20377; ExAC 0.16691; ESP Exome Variant Server 0.17120.
gnomAD v4.1: 319,765 of 1,614,114 alleles (20%); highest among the groups gnomAD compares: Non-Finnish European, 23%; 34,632 homozygotes.

Submissions (9):

Labcorp Genetics (formerly Invitae), Labcorp
Classification: Benign for Dyskeratosis congenita. Last evaluated: 2026-02-04. Review status: criteria provided, single submitter. Criteria: Invitae Variant Classification Sherloc (09022015). Collection method: clinical testing. Allele origin: germline.

ARUP Laboratories, Molecular Genetics and Genomics, ARUP Laboratories
Classification: Benign for Cerebroretinal microangiopathy with calcifications and cysts 1. Last evaluated: 2025-07-18. Review status: criteria provided, single submitter. Criteria: ARUP Molecular Germline Variant Investigation Process 2024. Collection method: clinical testing. Allele origin: germline.

Blueprint Genetics
Classification: Benign. Last evaluated: 2024-11-28. Review status: criteria provided, single submitter. Criteria: ACMG Guidelines, 2015. Collection method: clinical testing. Allele origin: germline.

Mayo Clinic Laboratories, Mayo Clinic
Classification: Benign. Last evaluated: 2022-03-24. Review status: criteria provided, single submitter. Criteria: ACMG Guidelines, 2015. Collection method: clinical testing. Allele origin: germline. Observed: 332 variant alleles.

Genome-Nilou Lab
Classification: Benign for Cerebroretinal microangiopathy with calcifications and cysts 1. Last evaluated: 2021-07-15. Review status: criteria provided, single submitter. Criteria: ACMG Guidelines, 2015. Collection method: clinical testing. Allele origin: germline. Affected: no.

GeneDx
Classification: Benign. Last evaluated: 2018-07-30. Review status: criteria provided, single submitter. Criteria: GeneDx Variant Classification Process June 2021. Collection method: clinical testing. Allele origin: germline. Affected: yes.

Illumina Laboratory Services, Illumina
Classification: Benign for Dyskeratosis congenita. Last evaluated: 2018-01-12. Review status: criteria provided, single submitter. Criteria: ICSL Variant Classification Criteria 13 December 2019. Collection method: clinical testing. Allele origin: germline.
Comment: This variant was observed in the ICSL laboratory as part of a predisposition screen in an ostensibly healthy population. It had not been previously curated by ICSL or reported in the Human Gene Mutation Database (HGMD: prior to June 1st, 2018), and was therefore a candidate for classification through an automated scoring system. Utilizing variant allele frequency, disease prevalence and penetrance estimates, and inheritance mode, an automated score was calculated to assess if this variant is too frequent to cause the disease. Based on the score and internal cut-off values, a variant classified as benign is not then subjected to further curation. The score for this variant resulted in a classification of benign for this disease.

Breakthrough Genomics
Classification: Benign. Review status: criteria provided, single submitter. Criteria: ACMG Guidelines, 2015. Collection method: not provided. Allele origin: germline. Inheritance: Autosomal recessive inheritance. Affected: yes.

Genetic Services Laboratory, University of Chicago
Classification: Likely benign for AllHighlyPenetrant. Review status: no assertion criteria provided. Collection method: clinical testing. Allele origin: germline. Inheritance: Autosomal recessive inheritance. Not counted in ClinVar's aggregate classification.
Comment: Likely benign based on allele frequency in 1000 Genomes Project or ESP global frequency and its presence in a patient with a rare or unrelated disease phenotype. NOT Sanger confirmed.